The following is an entry in ClinVar:

NM_001378183.1(PIEZO2):c.1202T>G (p.Leu401Arg)

Gene: PIEZO2 (piezo type mechanosensitive ion channel component 2; minus strand). Cytogenetic location: 18p11.22.
Variant type: single nucleotide variant.
Coding change: c.1202T>G on transcript NM_001378183.1 (MANE Select); coding-DNA position 1202, T replaced by G.
Protein change: p.Leu401Arg; replaces leucine 401 with arginine.
Molecular consequence: missense variant.
Genome position (GRCh38, 1-based): chr18:10,801,427, A>C on the plus strand (T>G on the coding strand, the complement: PIEZO2 is on the minus strand). VCF-style: chr18-10801427-A-C. GRCh37 (hg19) VCF-style: chr18-10801425-A-C.
Other names: c.1202T>G, p.Leu401Arg (NM_001410871.1, NM_022068.4); short protein forms L401R.
Identifiers: ClinVar variation 2648589 (VCV002648589.24), dbSNP rs2510780980, ClinGen allele CA401925489.

ClinVar aggregate classification (germline): Uncertain significance (1 of 4 stars; one submission).

Submission:

CeGaT Center for Human Genetics Tuebingen
Classification: Uncertain significance. Last evaluated: 2022-07-01. Review status: criteria provided, single submitter. Criteria: CeGaT Center For Human Genetics Tuebingen Variant Classification Criteria Version 2. Collection method: clinical testing. Allele origin: germline. Affected: yes. Observed: 1 variant allele.
Comment: PIEZO2: PM2, PP2